The following is an entry in ClinVar:

NM_001177701.3(IFT27):c.462+7A>G

Genes: CACNG2-DT (CACNG2 divergent transcript; plus strand), IFT27 (intraflagellar transport 27; minus strand). Cytogenetic location: 22q12.3.
Variant type: single nucleotide variant.
Coding change: c.462+7A>G on transcript NM_001177701.3 (MANE Select); 7 bases into the intron after coding-DNA position 462, A replaced by G.
Molecular consequence: intron variant.
Genome position (GRCh38, 1-based): chr22:36,762,897, T>C on the plus strand (A>G on the coding strand, the complement: IFT27 is on the minus strand). VCF-style: chr22-36762897-T-C. GRCh37 (hg19) VCF-style: chr22-37158941-T-C.
Other names: c.462+7A>G (NM_001363003.2); c.459+7A>G (NM_006860.5).
Identifiers: ClinVar variation 3358325 (VCV003358325.1).

ClinVar aggregate classification (germline): Likely benign (0 of 4 stars; one submission).

Conditions:
IFT27-related disorder. Also called: IFT27-related condition.

Submission:

PreventionGenetics, part of Exact Sciences
Classification: Likely benign for IFT27-related condition. Last evaluated: 2021-10-27. Review status: no assertion criteria provided. Collection method: clinical testing. Allele origin: germline.
Comment: This variant is classified as likely benign based on ACMG/AMP sequence variant interpretation guidelines (Richards et al. 2015 PMID: 25741868, with internal and published modifications).